The following is an entry in ClinVar:

ClinVar aggregate classification (germline): Pathogenic (1 of 4 stars; one submission).

Conditions:
Malignant tumor of breast. Also called: Malignant breast neoplasm; Cancer breast. Identifiers: MedGen C0006142, MONDO:0007254. Disease mechanism: loss of function.

Submission:

Women's Health and Genetics/Laboratory Corporation of America, LabCorp
Classification: Pathogenic for Malignant tumor of breast. Last evaluated: 2024-01-05. Review status: criteria provided, single submitter. Criteria: LabCorp Variant Classification Summary - May 2015. Collection method: clinical testing. Allele origin: germline.
Comment: Variant summary: BRIP1 c.1781T>G (p.Leu594X) results in a premature termination codon, predicted to cause a truncation of the encoded protein or absence of the protein due to nonsense mediated decay, which are commonly known mechanisms for disease. The variant was absent in 251438 control chromosomes. c.1781T>G has been reported in the literature in at least one individual affected with Breast Cancer (e.g. Yang_2023). To our knowledge, no experimental evidence demonstrating an impact on protein function has been reported. The following publication has been ascertained in the context of this evaluation (PMID: 37517399). No submitters have cited clinical-significance assessments for this variant to ClinVar. Based on the evidence outlined above, the variant was classified as pathogenic.

Literature cited by the submitters: PubMed 37517399.

NM_032043.3(BRIP1):c.1781T>G (p.Leu594Ter)

Gene: BRIP1 (BRCA1 interacting DNA helicase 1; minus strand). Cytogenetic location: 17q23.2.
Variant type: single nucleotide variant.
Coding change: c.1781T>G on transcript NM_032043.3 (MANE Select); coding-DNA position 1781, T replaced by G.
Protein change: p.Leu594Ter; replaces leucine 594 with a stop codon.
Molecular consequence: nonsense.
Genome position (GRCh38, 1-based): chr17:61,780,853, A>C on the plus strand (T>G on the coding strand, the complement: BRIP1 is on the minus strand). VCF-style: chr17-61780853-A-C. GRCh37 (hg19) VCF-style: chr17-59858214-A-C.
Other names: short protein forms L594*.
Identifiers: ClinVar variation 3063792 (VCV003063792.1), dbSNP rs587781559, ClinGen allele CA400480268.